The following is an entry in ClinVar:

ClinVar aggregate classification (germline): Pathogenic. Review status: criteria provided, multiple submitters, no conflicts (2 of 4 stars). 6 submissions from 6 submitters: Pathogenic (5). 1 of the submissions does not count toward it. Last evaluated 2025-04-28.

Conditions:
Hereditary cancer-predisposing syndrome. Also called: Hereditary Cancer Syndrome; Neoplastic Syndromes, Hereditary; Tumor predisposition; Hereditary neoplastic syndrome. Identifiers: Orphanet 140162, MedGen C0027672, MeSH D009386, MONDO:0015356.
Familial cancer of breast. Also called: Hereditary breast cancer; hereditary breast carcinoma; BREAST CANCER, FAMILIAL. Identifiers: Orphanet 227535, MedGen C0346153, MONDO:0016419, OMIM 114480. Disease mechanism: loss of function.
Ataxia-telangiectasia syndrome (AT). Also called: Ataxia telangiectasia (A-T); Ataxia-telangiectasia, complementation group E; LOUIS-BAR SYNDROME; Cerebello-oculocutaneous telangiectasia; Immunodeficiency with ataxia telangiectasia; Ataxia-telangiectasia, complementation group D. Identifiers: Orphanet 100, MedGen C0004135, MONDO:0008840, OMIM 208900.

Submissions (6):

Ambry Genetics
Classification: Pathogenic for Hereditary cancer-predisposing syndrome. Last evaluated: 2025-04-28. Review status: criteria provided, single submitter. Criteria: Ambry Variant Classification Scheme 2023. Collection method: clinical testing. Allele origin: germline.
Comment: The c.1660delA pathogenic mutation, located in coding exon 10 of the ATM gene, results from a deletion of one nucleotide at nucleotide position 1660, causing a translational frameshift with a predicted alternate stop codon (p.T554Rfs*2). This alteration has been detected in 1/4112 breast cancer patients and 0/2399 healthy control individuals across numerous studies (Tavtigian S et al. Am J Hum Genet. 2009 Oct;85(4):427-46). This variant has been identified in the homozygous state and/or in conjunction with other ATM variant(s) in individual(s) with features consistent with ataxia telangiectasia (Verhagen MM et al. Hum Mutat 2012 Mar;33(3):561-71). This variant is considered to be rare based on population cohorts in the Genome Aggregation Database (gnomAD). In addition to the clinical data presented in the literature, this alteration is expected to result in loss of function by premature protein truncation or nonsense-mediated mRNA decay. As such, this alteration is interpreted as a disease-causing mutation.

Baylor Genetics
Classification: Pathogenic for Familial cancer of breast. Last evaluated: 2024-02-20. Review status: criteria provided, single submitter. Criteria: ACMG Guidelines, 2015. Collection method: clinical testing. Allele origin: unknown.

Myriad Genetics, Inc.
Classification: Pathogenic for Familial cancer of breast. Last evaluated: 2024-01-16. Review status: criteria provided, single submitter. Criteria: Myriad Autosomal Dominant, Autosomal Recessive and X-Linked Classification Criteria (2023). Collection method: clinical testing. Allele origin: unknown.
Comment: This variant is considered pathogenic. This variant creates a frameshift predicted to result in premature protein truncation.

Labcorp Genetics (formerly Invitae), Labcorp
Classification: Pathogenic for Ataxia-telangiectasia syndrome. Last evaluated: 2023-11-25. Review status: criteria provided, single submitter. Criteria: Invitae Variant Classification Sherloc (09022015). Collection method: clinical testing. Allele origin: germline.
Comment: This sequence change creates a premature translational stop signal (p.Thr554Argfs*2) in the ATM gene. It is expected to result in an absent or disrupted protein product. Loss-of-function variants in ATM are known to be pathogenic (PMID: 23807571, 25614872). This variant is not present in population databases (gnomAD no frequency). This premature translational stop signal has been observed in individual(s) with breast cancer, and an individual affected with ataxia-telangiectasia (PMID: 10677309, 17393301, 19781682, 22213089, 30197789). ClinVar contains an entry for this variant (Variation ID: 230448). For these reasons, this variant has been classified as Pathogenic.

Color Diagnostics, LLC DBA Color Health
Classification: Pathogenic for Hereditary cancer-predisposing syndrome. Last evaluated: 2022-11-03. Review status: criteria provided, single submitter. Criteria: ACMG Guidelines, 2015. Collection method: clinical testing. Allele origin: germline.
Comment: This variant deletes 1 nucleotide in exon 11 of the ATM gene, creating a frameshift and premature translation stop signal. This variant is expected to result in an absent or non-functional protein product. This variant has been reported in individuals affected with breast cancer (PMID: 10677309, 17393301, 19781682). This variant has also been observed in the compound heterozygous state in an individual affected with autosomal recessive ataxia-telangiectasia (PMID: 22213089), indicating that this variant contributes to disease. This variant has not been identified in the general population by the Genome Aggregation Database (gnomAD). Loss of ATM function is a known mechanism of disease. Based on the available evidence, this variant is classified as Pathogenic.

Natera, Inc.
Classification: Pathogenic for Ataxia-telangiectasia. Last evaluated: 2020-09-16. Review status: no assertion criteria provided. Collection method: clinical testing. Allele origin: germline. Not counted in ClinVar's aggregate classification.

Literature cited by the submitters: PubMed 10677309 (cited by 3 submitters); PubMed 17393301 (cited by 3 submitters); PubMed 19781682 (cited by 3 submitters); PubMed 22213089 (cited by 3 submitters); PubMed 23807571 (cited by Labcorp Genetics (formerly Invitae), Labcorp); PubMed 25614872 (cited by Labcorp Genetics (formerly Invitae), Labcorp); PubMed 30197789 (cited by Labcorp Genetics (formerly Invitae), Labcorp).

NM_000051.4(ATM):c.1660del (p.Thr554fs)

Gene: ATM (ATM serine/threonine kinase; plus strand). Cytogenetic location: 11q22.3.
Variant type: Deletion.
Coding change: c.1660del on transcript NM_000051.4 (MANE Select); coding-DNA position 1660, one base deleted (A; older notation c.1660delA).
Protein change: p.Thr554fs; shifts the reading frame from threonine 554.
Molecular consequence: frameshift variant.
Genome position (GRCh38, 1-based): chr11:108,251,889, A deleted; the last of 2 consecutive A bases (chr11:108,251,888-108,251,889); deleting either gives the same sequence. VCF-style (leftmost placement, unchanged base first): chr11-108251887-GA-G. GRCh37 (hg19) VCF-style: chr11-108122614-GA-G.
Other names: c.1660delA (NM_000051.3); c.1660del, p.Thr554fs (NM_001351834.2); short protein forms T554fs.
Identifiers: ClinVar variation 230448 (VCV000230448.19), dbSNP rs876658572, ClinGen allele CA10579019.